The following is an entry in ClinVar:

ClinVar aggregate classification (germline): Uncertain significance. Review status: criteria provided, multiple submitters, no conflicts (2 of 4 stars). 2 submissions from 2 submitters: Uncertain significance (2). Last evaluated 2024-01-09.

Allele frequency attached by ClinVar (database versions not stated): ExAC 0.00001; gnomAD exomes 0.00001 and 0.00002; gnomAD 0.00003; TOPMed 0.00003; ESP Exome Variant Server 0.00008.
gnomAD v4.1: 34 of 1,612,852 alleles (0.0021%); highest among the groups gnomAD compares: Non-Finnish European, 0.0028%; no homozygotes.

Submissions (2):

Women's Health and Genetics/Laboratory Corporation of America, LabCorp
Classification: Uncertain significance. Last evaluated: 2024-01-09. Review status: criteria provided, single submitter. Criteria: LabCorp Variant Classification Summary - May 2015. Collection method: clinical testing. Allele origin: germline.
Comment: Variant summary: SZT2 c.3295G>A (p.Gly1099Arg) results in a non-conservative amino acid change in the encoded protein sequence. Four of five in-silico tools predict a benign effect of the variant on protein function. The variant allele was found at a frequency of 8e-06 in 250114 control chromosomes. The available data on variant occurrences in the general population are insufficient to allow any conclusion about variant significance. To our knowledge, no occurrence of c.3295G>A in individuals affected with Early Infantile Epileptic Encephalopathy 18 and no experimental evidence demonstrating its impact on protein function have been reported. ClinVar contains an entry for this variant (Variation ID: 852720). Based on the evidence outlined above, the variant was classified as uncertain significance.

Labcorp Genetics (formerly Invitae), Labcorp
Classification: Uncertain significance. Last evaluated: 2022-07-17. Review status: criteria provided, single submitter. Criteria: Invitae Variant Classification Sherloc (09022015). Collection method: clinical testing. Allele origin: germline.
Comment: This sequence change replaces glycine, which is neutral and non-polar, with arginine, which is basic and polar, at codon 1099 of the SZT2 protein (p.Gly1099Arg). This variant is present in population databases (rs370691670, gnomAD 0.005%). This variant has not been reported in the literature in individuals affected with SZT2-related conditions. ClinVar contains an entry for this variant (Variation ID: 852720). Algorithms developed to predict the effect of missense changes on protein structure and function output the following: SIFT: "Deleterious"; PolyPhen-2: "Benign"; Align-GVGD: "Class C15". The arginine amino acid residue is found in multiple mammalian species, which suggests that this missense change does not adversely affect protein function. In summary, the available evidence is currently insufficient to determine the role of this variant in disease. Therefore, it has been classified as a Variant of Uncertain Significance.

NM_001365999.1(SZT2):c.3466G>A (p.Gly1156Arg)

Gene: SZT2 (SZT2 subunit of KICSTOR complex; plus strand). Cytogenetic location: 1p34.2.
Variant type: single nucleotide variant.
Coding change: c.3466G>A on transcript NM_001365999.1 (MANE Select); coding-DNA position 3466, G replaced by A.
Protein change: p.Gly1156Arg; replaces glycine 1156 with arginine.
Molecular consequence: missense variant.
Genome position (GRCh38, 1-based): chr1:43,427,313, G>A. VCF-style: chr1-43427313-G-A. GRCh37 (hg19) VCF-style: chr1-43892984-G-A.
Other names: c.3295G>A, p.Gly1099Arg (NM_015284.4); short protein forms G1156R, G1099R.
Identifiers: ClinVar variation 852720 (VCV000852720.7), dbSNP rs370691670, ClinGen allele CA809001.
Genomic context (GRCh38, chr1:43,427,313, plus strand): 5'-GCTCTGATTTATGTCTGATCCTCTTCAGATGTCCAGCGTCTGGCTGCCTGTGGCCTGGAG[G>A]GACCCCCTCAAGAGGAGACAAAGCCTAAGTTTGGGGATTGGAGTGGGGCTCCCAGTCTGA-3'
Protein context (NP_001352928.1, residues 1146-1166): VQRLAACGLE[Gly1156Arg]PPQEETKPKF